The following is an entry in ClinVar:

ClinVar aggregate classification (germline): Uncertain significance (0 of 4 stars; one submission).

Conditions:
ACADVL-related disorder. Also called: ACADVL-related condition.

Submission:

PreventionGenetics, part of Exact Sciences
Classification: Uncertain significance for ACADVL-related condition. Last evaluated: 2023-12-11. Review status: no assertion criteria provided. Collection method: clinical testing. Allele origin: germline.
Comment: The ACADVL c.383T>A variant is predicted to result in the amino acid substitution p.Val128Glu. To our knowledge, this variant has not been reported in the literature or in a large population database, indicating this variant is rare. At this time, the clinical significance of this variant is uncertain due to the absence of conclusive functional and genetic evidence.

NM_000018.4(ACADVL):c.383T>A (p.Val128Glu)

Gene: ACADVL (acyl-CoA dehydrogenase very long chain; plus strand). Cytogenetic location: 17p13.1.
Variant type: single nucleotide variant.
Coding change: c.383T>A on transcript NM_000018.4 (MANE Select); coding-DNA position 383, T replaced by A.
Protein change: p.Val128Glu; replaces valine 128 with glutamic acid.
Molecular consequence: missense variant.
Genome position (GRCh38, 1-based): chr17:7,220,964, T>A. VCF-style: chr17-7220964-T-A. GRCh37 (hg19) VCF-style: chr17-7124283-T-A.
Other names: c.317T>A, p.Val106Glu (NM_001033859.3); c.452T>A, p.Val151Glu (NM_001270447.2); c.155T>A, p.Val52Glu (NM_001270448.2); short protein forms V106E, V128E, V151E, V52E.
Identifiers: ClinVar variation 3041799 (VCV003041799.2), dbSNP rs763355567, ClinGen allele CA397722788.